The following is an entry in ClinVar:

ClinVar aggregate classification (germline): Uncertain significance (1 of 4 stars; one submission).

Conditions:
Inborn genetic diseases. Identifiers: MedGen C0950123, MeSH D030342.

Submission:

Ambry Genetics
Classification: Uncertain significance for Inborn genetic diseases. Last evaluated: 2025-10-27. Review status: criteria provided, single submitter. Criteria: Ambry Variant Classification Scheme 2023. Collection method: clinical testing. Allele origin: germline.
Comment: The p.C605S variant (also known as c.1814G>C), located in coding exon 1 of the SAMD9 gene, results from a G to C substitution at nucleotide position 1814. The cysteine at codon 605 is replaced by serine, an amino acid with dissimilar properties. This amino acid position is conserved. In addition, this alteration is predicted to be tolerated by in silico analysis. Based on the available evidence, the clinical significance of this variant remains unclear.

NM_017654.4(SAMD9):c.1814G>C (p.Cys605Ser)

Gene: SAMD9 (sterile alpha motif domain containing 9; minus strand). Cytogenetic location: 7q21.2.
Variant type: single nucleotide variant.
Coding change: c.1814G>C on transcript NM_017654.4 (MANE Select); coding-DNA position 1814, G replaced by C.
Protein change: p.Cys605Ser; replaces cysteine 605 with serine.
Molecular consequence: missense variant.
Genome position (GRCh38, 1-based): chr7:93,104,284, C>G on the plus strand (G>C on the coding strand, the complement: SAMD9 is on the minus strand). VCF-style: chr7-93104284-C-G. GRCh37 (hg19) VCF-style: chr7-92733597-C-G.
Other names: c.1814G>C, p.Cys605Ser (NM_001193307.2); short protein forms C605S.
Identifiers: ClinVar variation 4629906 (VCV004629906.1).